The following is an entry in ClinVar:

ClinVar aggregate classification (germline): Likely benign. Review status: criteria provided, multiple submitters, no conflicts (2 of 4 stars). 2 submissions from 2 submitters: Likely benign (2). Last evaluated 2023-05-08.

Allele frequency attached by ClinVar (database versions not stated): TOPMed 0.00015.

Submissions (2):

Blueprint Genetics
Classification: Likely benign. Last evaluated: 2023-05-08. Review status: criteria provided, single submitter. Criteria: ACMG Guidelines, 2015. Collection method: clinical testing. Allele origin: germline.

GeneDx
Classification: Likely benign. Last evaluated: 2017-04-24. Review status: criteria provided, single submitter. Criteria: GeneDx Variant Classification (06012015). Collection method: clinical testing. Allele origin: germline. Affected: yes.
Comment: This variant is considered likely benign or benign based on one or more of the following criteria: it is a conservative change, it occurs at a poorly conserved position in the protein, it is predicted to be benign by multiple in silico algorithms, and/or has population frequency not consistent with disease.

NM_024301.5(FKRP):c.-272GGC[8]

Genes: FKRP (fukutin related protein; plus strand), STRN4 (striatin 4; minus strand), LOC130064775 (ATAC-STARR-seq lymphoblastoid silent region 10825; plus strand). Cytogenetic location: 19q13.32.
Variant type: Microsatellite.
Coding change: c.-272GGC[8] on transcript NM_024301.5 (MANE Select); eight copies in a row of the 3-base unit GGC starting at c.-272; the reference has five copies in a row; three copies, 9 bases duplicated.
Molecular consequence: 5 prime UTR variant. On other transcripts: intron variant (2).
Genome position (GRCh38, 1-based): chr19:46,746,077-46,746,085, GGCGGCGGC duplicated; duplicating any 9 consecutive bases within chr19:46,746,071-46,746,085 gives the same sequence; the position shown is the placement nearest the transcript's 3' end. VCF-style (leftmost placement, unchanged base first): chr19-46746070-T-TGGCGGCGGC. GRCh37 (hg19) VCF-style: chr19-47249327-T-TGGCGGCGGC.
Other names: c.-324GGC[8] (NM_001039885.3); c.282+64GCC[8] (NM_013403.3, NM_001039877.2).
Identifiers: ClinVar variation 420683 (VCV000420683.3), dbSNP rs995093352, ClinGen allele CA16620864.